The following is an entry in ClinVar:

ClinVar aggregate classification (germline): Benign/Likely benign. Review status: criteria provided, multiple submitters, no conflicts (2 of 4 stars). 3 submissions from 3 submitters: Benign (1); Likely benign (1). 1 of the submissions does not count toward it. Last evaluated 2024-05-28.

Conditions:
FAAP24-related disorder. Also called: FAAP24-related condition.

Allele frequency attached by ClinVar (database versions not stated): ESP Exome Variant Server 0.00354; 1000 Genomes Project 0.00359; gnomAD 0.00245; TOPMed 0.00300; 1000 Genomes Project 30x 0.00437.
gnomAD v4.1: 874 of 1,614,094 alleles (0.054%); highest among the groups gnomAD compares: African/African-American, 0.97%; 4 homozygotes.

Submissions (3):

Blueprint Genetics
Classification: Likely benign. Last evaluated: 2024-05-28. Review status: criteria provided, single submitter. Criteria: ACMG Guidelines, 2015. Collection method: clinical testing. Allele origin: germline.

Labcorp Genetics (formerly Invitae), Labcorp
Classification: Benign. Last evaluated: 2018-04-17. Review status: criteria provided, single submitter. Criteria: Invitae Variant Classification Sherloc (09022015). Collection method: clinical testing. Allele origin: germline.

PreventionGenetics, part of Exact Sciences
Classification: Benign for FAAP24-related condition. Last evaluated: 2019-07-31. Review status: no assertion criteria provided. Collection method: clinical testing. Allele origin: germline. Not counted in ClinVar's aggregate classification.
Comment: This variant is classified as benign based on ACMG/AMP sequence variant interpretation guidelines (Richards et al. 2015 PMID: 25741868, with internal and published modifications).

NM_152266.5(FAAP24):c.284G>A (p.Arg95Gln)

Gene: FAAP24 (FA core complex associated protein 24; plus strand). Cytogenetic location: 19q13.11.
Variant type: single nucleotide variant.
Coding change: c.284G>A on transcript NM_152266.5 (MANE Select); coding-DNA position 284, G replaced by A.
Protein change: p.Arg95Gln; replaces arginine 95 with glutamine.
Molecular consequence: missense variant. On other transcripts: 5 prime UTR variant (1).
Genome position (GRCh38, 1-based): chr19:32,974,100, G>A. VCF-style: chr19-32974100-G-A. GRCh37 (hg19) VCF-style: chr19-33465006-G-A.
Other names: c.-2G>A (NM_001300978.2, NM_001300978.1); short protein forms R95Q.
Identifiers: ClinVar variation 714784 (VCV000714784.6), dbSNP rs78628256, ClinGen allele CA9360091.
Genomic context (GRCh38, chr19:32,974,100, plus strand): 5'-CTGTCTTTTTTCCTTTCAAGTCCAATAATCTTAAAGGAATTGTAGTCGTTGAAAAAACCC[G>A]GATGAGTGAACAATACTTCCCAGCCCTACAGAAGTTTACTGTGCTGGACCTTGGAATGGT-3'
Protein context (NP_689479.1, residues 85-105): LKGIVVVEKT[Arg95Gln]MSEQYFPALQ